The following is an entry in ClinVar:

NM_001330260.2(SCN8A):c.3423A>G (p.Pro1141=)

Gene: SCN8A (sodium voltage-gated channel alpha subunit 8; plus strand). Cytogenetic location: 12q13.13.
Variant type: single nucleotide variant.
Coding change: c.3423A>G on transcript NM_001330260.2 (MANE Select); coding-DNA position 3423, A replaced by G.
Protein change: p.Pro1141=; no amino-acid change (proline 1141 retained).
Molecular consequence: synonymous variant.
Genome position (GRCh38, 1-based): chr12:51,769,918, A>G. VCF-style: chr12-51769918-A-G. GRCh37 (hg19) VCF-style: chr12-52163702-A-G.
Other names: c.3423A>G, p.Pro1141= (NM_001177984.3, NM_001369788.1, NM_014191.4).
Identifiers: ClinVar variation 309359 (VCV000309359.36), dbSNP rs376102810, ClinGen allele CA6571601.

ClinVar aggregate classification (germline): Likely benign. Review status: criteria provided, multiple submitters, no conflicts (2 of 4 stars). 3 submissions from 3 submitters: Likely benign (3). Last evaluated 2025-12-15.

Conditions:
Early-infantile DEE. Also called: Ohtahara syndrome; Early infantile epileptic encephalopathy with suppression bursts; Early infantile epileptic encephalopathy. Identifiers: Orphanet 1934, MedGen C0393706, MONDO:0800491.

Allele frequency attached by ClinVar (database versions not stated): ExAC 0.00007; gnomAD exomes 0.00007 and 0.00008; ESP Exome Variant Server 0.00008; gnomAD 0.00008; TOPMed 0.00009.
gnomAD v4.1: 125 of 1,608,494 alleles (0.0078%); highest among the groups gnomAD compares: East Asian, 0.065%; no homozygotes.

Submissions (3):

Labcorp Genetics (formerly Invitae), Labcorp
Classification: Likely benign for Early-infantile DEE. Last evaluated: 2025-12-15. Review status: criteria provided, single submitter. Criteria: Invitae Variant Classification Sherloc (09022015). Collection method: clinical testing. Allele origin: germline.

CeGaT Center for Human Genetics Tuebingen
Classification: Likely benign. Last evaluated: 2023-11-01. Review status: criteria provided, single submitter. Criteria: CeGaT Center For Human Genetics Tuebingen Variant Classification Criteria Version 2. Collection method: clinical testing. Allele origin: germline. Affected: yes. Observed: 1 variant allele.
Comment: SCN8A: BP4, BP7

GeneDx
Classification: Likely benign. Last evaluated: 2018-03-16. Review status: criteria provided, single submitter. Criteria: GeneDx Variant Classification (06012015). Collection method: clinical testing. Allele origin: germline. Affected: yes.
Comment: This variant is considered likely benign or benign based on one or more of the following criteria: it is a conservative change, it occurs at a poorly conserved position in the protein, it is predicted to be benign by multiple in silico algorithms, and/or has population frequency not consistent with disease.